The following is an entry in ClinVar:

ClinVar aggregate classification (germline): Conflicting classifications of pathogenicity. Review status: criteria provided, conflicting classifications (1 of 4 stars). 3 submissions from 3 submitters: Uncertain significance (1); Likely benign (2). Last evaluated 2024-03-04.

Conditions:
Hereditary cancer-predisposing syndrome. Also called: Hereditary Cancer Syndrome; Hereditary neoplastic syndrome; Tumor predisposition; Neoplastic Syndromes, Hereditary. Identifiers: Orphanet 140162, MedGen C0027672, MeSH D009386, MONDO:0015356.

gnomAD v4.1: 2 of 1,613,442 alleles (0.00012%); highest among the groups gnomAD compares: Non-Finnish European, 0.00017%; no homozygotes.

Submissions (3):

Labcorp Genetics (formerly Invitae), Labcorp
Classification: Likely benign. Last evaluated: 2024-03-04. Review status: criteria provided, single submitter. Criteria: Invitae Variant Classification Sherloc (09022015). Collection method: clinical testing. Allele origin: germline.

Ambry Genetics
Classification: Likely benign for Hereditary cancer-predisposing syndrome. Last evaluated: 2022-12-20. Review status: criteria provided, single submitter. Criteria: Ambry Variant Classification Scheme 2023. Collection method: clinical testing. Allele origin: germline.

Sema4
Classification: Uncertain significance for Hereditary cancer-predisposing syndrome. Last evaluated: 2021-07-05. Review status: criteria provided, single submitter. Criteria: Sema4 Curation Guidelines. Collection method: curation. Allele origin: germline.
Comment: The MSH3 c.2586A>T (p.G862=) variant has not been reported in the literature to our knowledge. It was not observed in the large and broad cohorts of the Genome Aggregation Database. The variant has been reported in ClinVar (Variation ID 842780). In silico tools suggest that the variant may create or strengthen a cryptic splice site, though these predictions have not been confirmed by functional studies. The evidence is insufficient to meet ACMG/AMP criteria for classifying the variant as benign or pathogenic. Thus, the clinical significance of this variant is currently uncertain.

NM_002439.5(MSH3):c.2586A>T (p.Gly862=)

Gene: MSH3 (mutS homolog 3; plus strand). Cytogenetic location: 5q14.1.
Variant type: single nucleotide variant.
Coding change: c.2586A>T on transcript NM_002439.5 (MANE Select); coding-DNA position 2586, A replaced by T.
Protein change: p.Gly862=; no amino-acid change (glycine 862 retained).
Molecular consequence: synonymous variant.
Genome position (GRCh38, 1-based): chr5:80,792,775, A>T. VCF-style: chr5-80792775-A-T. GRCh37 (hg19) VCF-style: chr5-80088594-A-T.
Other names: c.2586A>T (NM_002439.3).
Identifiers: ClinVar variation 842780 (VCV000842780.10), dbSNP rs1744630430, ClinGen allele CA445163482.